The following is an entry in ClinVar:

NM_017637.6(BNC2):c.519C>T (p.Ser173=)

Gene: BNC2 (basonuclin zinc finger protein 2; minus strand). Cytogenetic location: 9p22.3.
Variant type: single nucleotide variant.
Coding change: c.519C>T on transcript NM_017637.6 (MANE Select); coding-DNA position 519, C replaced by T.
Protein change: p.Ser173=; no amino-acid change (serine 173 retained).
Molecular consequence: synonymous variant.
Genome position (GRCh38, 1-based): chr9:16,552,680, G>A on the plus strand (C>T on the coding strand, the complement: BNC2 is on the minus strand). VCF-style: chr9-16552680-G-A. GRCh37 (hg19) VCF-style: chr9-16552678-G-A.
Other names: c.393C>T, p.Ser131= (NM_001317939.2); c.234C>T, p.Ser78= (NM_001317940.2).
Identifiers: ClinVar variation 120242 (VCV000120242.14), dbSNP rs149019822, ClinGen allele CA204342.

ClinVar aggregate classification (germline): Benign/Likely benign. Review status: criteria provided, multiple submitters, no conflicts (2 of 4 stars). 4 submissions from 4 submitters: Benign (1); Likely benign (2). 1 of the submissions does not count toward it. Last evaluated 2025-11-24.

Conditions:
BNC2-related disorder. Also called: BNC2-related condition.
Hypotension. Also called: low blood pressure; Hypotensive disorder. Identifiers: MedGen C0020649, MONDO:0005468, HP:0002615, MeSH D007022.

Allele frequency attached by ClinVar (database versions not stated): gnomAD exomes 0.00017 and 0.00043; ExAC 0.00048; ESP Exome Variant Server 0.00123; 1000 Genomes Project 0.00140; gnomAD 0.00141 and 0.00149; 1000 Genomes Project 30x 0.00156; TOPMed 0.00170.
gnomAD v4.1: 465 of 1,614,174 alleles (0.029%); highest among the groups gnomAD compares: African/African-American, 0.48%; 2 homozygotes.

Submissions (4):

Labcorp Genetics (formerly Invitae), Labcorp
Classification: Benign. Last evaluated: 2025-11-24. Review status: criteria provided, single submitter. Criteria: Invitae Variant Classification Sherloc (09022015). Collection method: clinical testing. Allele origin: germline.

CeGaT Center for Human Genetics Tuebingen
Classification: Likely benign. Last evaluated: 2025-09-01. Review status: criteria provided, single submitter. Criteria: CeGaT Center For Human Genetics Tuebingen Variant Classification Criteria Version 2. Collection method: clinical testing. Allele origin: germline. Affected: yes. Observed: 1 variant allele.
Comment: BNC2: BP4, BS1

PreventionGenetics, part of Exact Sciences
Classification: Likely benign for BNC2-related condition. Last evaluated: 2025-07-30. Review status: criteria provided, single submitter. Criteria: ACMG Guidelines, 2015. Collection method: clinical testing. Allele origin: germline.
Comment: This variant is classified as likely benign based on ACMG/AMP sequence variant interpretation guidelines (Richards et al. 2015 PMID: 25741868, with internal and published modifications).

Centre for molecular medicine, Karolinska Institutet
No classification provided. Condition: Hypotension. Review status: no classification provided. Collection method: not provided. Allele origin: not provided. Not counted in ClinVar's aggregate classification.
Comment: hold until published